The following is an entry in ClinVar:

ClinVar aggregate classification (germline): Uncertain significance (1 of 4 stars; one submission).

Conditions:
Hereditary cancer-predisposing syndrome. Also called: Hereditary Cancer Syndrome; Hereditary neoplastic syndrome; Neoplastic Syndromes, Hereditary; Tumor predisposition. Identifiers: Orphanet 140162, MedGen C0027672, MeSH D009386, MONDO:0015356.

Submission:

Ambry Genetics
Classification: Uncertain significance for Hereditary cancer-predisposing syndrome. Last evaluated: 2024-02-22. Review status: criteria provided, single submitter. Criteria: Ambry Variant Classification Scheme 2023. Collection method: clinical testing. Allele origin: germline.
Comment: The p.T148P variant (also known as c.442A>C), located in coding exon 4 of the NBN gene, results from an A to C substitution at nucleotide position 442. The threonine at codon 148 is replaced by proline, an amino acid with highly similar properties. This amino acid position is highly conserved in available vertebrate species. In addition, this alteration is predicted to be deleterious by in silico analysis. Since supporting evidence is limited at this time, the clinical significance of this alteration remains unclear.

NM_002485.5(NBN):c.442A>C (p.Thr148Pro)

Gene: NBN (nibrin; minus strand). Cytogenetic location: 8q21.3.
Variant type: single nucleotide variant.
Coding change: c.442A>C on transcript NM_002485.5 (MANE Select); coding-DNA position 442, A replaced by C.
Protein change: p.Thr148Pro; replaces threonine 148 with proline.
Molecular consequence: missense variant.
Genome position (GRCh38, 1-based): chr8:89,980,772, T>G on the plus strand (A>C on the coding strand, the complement: NBN is on the minus strand). VCF-style: chr8-89980772-T-G. GRCh37 (hg19) VCF-style: chr8-90993000-T-G.
Other names: c.196A>C, p.Thr66Pro (NM_001024688.3); short protein forms T148P, T66P.
Identifiers: ClinVar variation 1740528 (VCV001740528.2), dbSNP rs1060503479, ClinGen allele CA371661661.